The following is an entry in ClinVar:

NM_000154.2(GALK1):c.840C>T (p.His280=)

Gene: GALK1 (galactokinase 1; minus strand). Cytogenetic location: 17q25.1.
Variant type: single nucleotide variant.
Coding change: c.840C>T on transcript NM_000154.2 (MANE Select); coding-DNA position 840, C replaced by T.
Protein change: p.His280=; no amino-acid change (histidine 280 retained).
Molecular consequence: synonymous variant.
Genome position (GRCh38, 1-based): chr17:75,758,553, G>A on the plus strand (C>T on the coding strand, the complement: GALK1 is on the minus strand). VCF-style: chr17-75758553-G-A. GRCh37 (hg19) VCF-style: chr17-73754634-G-A.
Identifiers: ClinVar variation 325229 (VCV000325229.23), dbSNP rs375779311, ClinGen allele CA8770811.
Genomic context (GRCh38, chr17:75,758,553, plus strand): 5'-GTAGTCGCCACGTCTCAGGGCGGCCGCTGCCTGGGCCGTGCGCCGAATCTCCCCCACCAC[G>A]TGCCGGGCCCGCCGGAAGCCCTCTTTGCTCACCAGGTCCCTGGCAGCTGGGGAGGAAAGA-3'
Protein context (NP_000145.1, residues 270-290): VSKEGFRRAR[His280=]VVGEIRRTAQ

ClinVar aggregate classification (germline): Benign. Review status: criteria provided, multiple submitters, no conflicts (2 of 4 stars). 5 submissions from 5 submitters: Benign (4). 1 of the submissions does not count toward it. Last evaluated 2026-02-01.

Conditions:
Deficiency of galactokinase. Also called: GALACTOSEMIA II; Galactokinase deficiency with cataracts. Identifiers: Orphanet 352, Orphanet 79237, MedGen C0268155, MONDO:0009255, OMIM 230200.

Allele frequency attached by ClinVar (database versions not stated): ESP Exome Variant Server 0.00008; gnomAD 0.00009 and 0.00092; TOPMed 0.00017; gnomAD exomes 0.00294; 1000 Genomes Project 0.00539; ExAC 0.00548; 1000 Genomes Project 30x 0.00578.
gnomAD v4.1: 2,166 of 1,596,504 alleles (0.14%); highest among the groups gnomAD compares: South Asian, 2.2%; 44 homozygotes.

Submissions (5):

Labcorp Genetics (formerly Invitae), Labcorp
Classification: Benign for Deficiency of galactokinase. Last evaluated: 2026-02-01. Review status: criteria provided, single submitter. Criteria: Invitae Variant Classification Sherloc (09022015). Collection method: clinical testing. Allele origin: germline.

GeneDx
Classification: Benign. Last evaluated: 2021-05-19. Review status: criteria provided, single submitter. Criteria: GeneDx Variant Classification Process June 2021. Collection method: clinical testing. Allele origin: germline. Affected: yes.

Illumina Laboratory Services, Illumina
Classification: Benign for Deficiency of galactokinase. Last evaluated: 2018-01-12. Review status: criteria provided, single submitter. Criteria: ICSL Variant Classification Criteria 13 December 2019. Collection method: clinical testing. Allele origin: germline.
Comment: This variant was observed in the ICSL laboratory as part of a predisposition screen in an ostensibly healthy population. It had not been previously curated by ICSL or reported in the Human Gene Mutation Database (HGMD: prior to June 1st, 2018), and was therefore a candidate for classification through an automated scoring system. Utilizing variant allele frequency, disease prevalence and penetrance estimates, and inheritance mode, an automated score was calculated to assess if this variant is too frequent to cause the disease. Based on the score and internal cut-off values, a variant classified as benign is not then subjected to further curation. The score for this variant resulted in a classification of benign for this disease.

Breakthrough Genomics
Classification: Benign. Review status: criteria provided, single submitter. Criteria: ACMG Guidelines, 2015. Collection method: not provided. Allele origin: germline. Inheritance: Autosomal recessive inheritance. Affected: yes.

Natera, Inc.
Classification: Benign for Deficiency of galactokinase. Last evaluated: 2019-10-28. Review status: no assertion criteria provided. Collection method: clinical testing. Allele origin: germline. Not counted in ClinVar's aggregate classification.